The following is an entry in ClinVar:

NM_001199138.2(NLRC4):c.2672A>C (p.Asp891Ala)

Gene: NLRC4 (NLR family CARD domain containing 4; minus strand). Cytogenetic location: 2p22.3.
Variant type: single nucleotide variant.
Coding change: c.2672A>C on transcript NM_001199138.2 (MANE Select); coding-DNA position 2672, A replaced by C.
Protein change: p.Asp891Ala; replaces aspartic acid 891 with alanine.
Molecular consequence: missense variant.
Genome position (GRCh38, 1-based): chr2:32,235,511, T>G on the plus strand (A>C on the coding strand, the complement: NLRC4 is on the minus strand). VCF-style: chr2-32235511-T-G. GRCh37 (hg19) VCF-style: chr2-32460580-T-G.
Other names: c.2672A>C, p.Asp891Ala (NM_001199139.2, NM_021209.5); c.677A>C, p.Asp226Ala (NM_001302504.2); short protein forms D226A, D891A.
Identifiers: ClinVar variation 2942715 (VCV002942715.4), dbSNP rs761505468, ClinGen allele CA1601728.
Genomic context (GRCh38, chr2:32,235,511, plus strand): 5'-TTGACGAGTTGTGGGACCTCCTCCAAATGTTTCAACAGGCTGCTCAGGCTGCCTTGCACG[T>G]CACAGCCCCAGGGCAGCATCAGTGCGGTGAGCTGTTCTAGCACGTTCATCCTGTCGACTG-3'
Protein context (NP_001186067.1, residues 881-901): LTALMLPWGC[Asp891Ala]VQGSLSSLLK

ClinVar aggregate classification (germline): Uncertain significance. Review status: criteria provided, multiple submitters, no conflicts (2 of 4 stars). 2 submissions from 2 submitters: Uncertain significance (2). Last evaluated 2025-07-30.

Conditions:
Periodic fever-infantile enterocolitis-autoinflammatory syndrome. Also called: Autoinflammation with infantile enterocolitis. Identifiers: Orphanet 436166, MedGen C4015067, MONDO:0014472, OMIM 616050.
Familial cold autoinflammatory syndrome 4 (FCAS4). Identifiers: Orphanet 47045, Orphanet 576349, MedGen C4015276, MONDO:0014498, OMIM 616115.
Inborn genetic diseases. Identifiers: MedGen C0950123, MeSH D030342.

Allele frequency attached by ClinVar (database versions not stated): TOPMed below 0.00001; gnomAD exomes 0.00001; ExAC 0.00002.
gnomAD v4.1: 10 of 1,614,202 alleles (0.00062%); highest among the groups gnomAD compares: Non-Finnish European, 0.00085%; no homozygotes.

Submissions (2):

Labcorp Genetics (formerly Invitae), Labcorp
Classification: Uncertain significance for Periodic fever-infantile enterocolitis-autoinflammatory syndrome; Familial cold autoinflammatory syndrome 4. Last evaluated: 2025-07-30. Review status: criteria provided, single submitter. Criteria: Invitae Variant Classification Sherloc (09022015). Collection method: clinical testing. Allele origin: germline.
Comment: This sequence change replaces aspartic acid, which is acidic and polar, with alanine, which is neutral and non-polar, at codon 891 of the NLRC4 protein (p.Asp891Ala). This variant is present in population databases (rs761505468, gnomAD 0.002%). This variant has not been reported in the literature in individuals affected with NLRC4-related conditions. ClinVar contains an entry for this variant (Variation ID: 2942715). Invitae Evidence Modeling of protein sequence and biophysical properties (such as structural, functional, and spatial information, amino acid conservation, physicochemical variation, residue mobility, and thermodynamic stability) indicates that this missense variant is not expected to disrupt NLRC4 protein function with a negative predictive value of 80%. In summary, the available evidence is currently insufficient to determine the role of this variant in disease. Therefore, it has been classified as a Variant of Uncertain Significance.

Ambry Genetics
Classification: Uncertain significance for Inborn genetic diseases. Last evaluated: 2024-09-08. Review status: criteria provided, single submitter. Criteria: Ambry Variant Classification Scheme 2023. Collection method: clinical testing. Allele origin: germline.